The following is an entry in ClinVar:

NM_177965.4(CFAP418):c.*2212C>T

Gene: CFAP418 (cilia and flagella associated protein 418; minus strand). Cytogenetic location: 8q22.1.
Variant type: single nucleotide variant.
Coding change: c.*2212C>T on transcript NM_177965.4 (MANE Select); 2212 bases downstream of the stop codon, C replaced by T.
Molecular consequence: 3 prime UTR variant.
Genome position (GRCh38, 1-based): chr8:95,245,405, G>A on the plus strand (C>T on the coding strand, the complement: CFAP418 is on the minus strand). VCF-style: chr8-95245405-G-A. GRCh37 (hg19) VCF-style: chr8-96257633-G-A.
Other names: c.*2212C>T (NM_001363260.1).
Identifiers: ClinVar variation 912347 (VCV000912347.4), dbSNP rs79305170, ClinGen allele CA182087879.

ClinVar aggregate classification (germline): Conflicting classifications of pathogenicity. Review status: criteria provided, conflicting classifications (1 of 4 stars). 2 submissions from 1 submitter: Uncertain significance (1); Likely benign (1). Last evaluated 2018-01-12.

Conditions:
Retinitis pigmentosa (RP). Identifiers: Orphanet 791, MedGen C0035334, MeSH D012174, MONDO:0019200, OMIM 268000. Inheritance: Autosomal dominant, autosomal recessive and X linked inheritance.
Cone-rod dystrophy 16 (CORD16). Identifiers: MedGen C3281045, MONDO:0013786, OMIM 614500.

Allele frequency attached by ClinVar (database versions not stated): 1000 Genomes Project 30x 0.01093; 1000 Genomes Project 0.01138; TOPMed 0.01214.

Submissions (2):

Illumina Laboratory Services, Illumina
Classification: Likely benign for Cone-rod dystrophy 16. Last evaluated: 2018-01-12. Review status: criteria provided, single submitter. Criteria: ICSL Variant Classification Criteria 13 December 2019. Collection method: clinical testing. Allele origin: germline.
Comment: This variant was observed in the ICSL laboratory as part of a predisposition screen in an ostensibly healthy population. It had not been previously curated by ICSL or reported in the Human Gene Mutation Database (HGMD: prior to June 1st, 2018), and was therefore a candidate for classification through an automated scoring system. Utilizing variant allele frequency, disease prevalence and penetrance estimates, and inheritance mode, an automated score was calculated to assess if this variant is too frequent to cause the disease. Based on the score and internal cut-off values, a variant classified as likely benign is not then subjected to further curation. The score for this variant resulted in a classification of likely benign for this disease.

Illumina Laboratory Services, Illumina
Classification: Uncertain significance for Retinitis pigmentosa. Last evaluated: 2018-01-12. Review status: criteria provided, single submitter. Criteria: ICSL Variant Classification Criteria 13 December 2019. Collection method: clinical testing. Allele origin: germline.